The following is an entry in ClinVar:

ClinVar aggregate classification (germline): Uncertain significance. Review status: criteria provided, multiple submitters, no conflicts (2 of 4 stars). 4 submissions from 4 submitters: Uncertain significance (4). Last evaluated 2025-09-24.

Conditions:
Hereditary cancer-predisposing syndrome. Also called: Neoplastic Syndromes, Hereditary; Hereditary Cancer Syndrome; Hereditary neoplastic syndrome; Tumor predisposition. Identifiers: Orphanet 140162, MedGen C0027672, MeSH D009386, MONDO:0015356.
Ataxia-telangiectasia syndrome (AT). Also called: Cerebello-oculocutaneous telangiectasia; Immunodeficiency with ataxia telangiectasia; Ataxia-telangiectasia, complementation group D; AT, COMPLEMENTATION GROUP C; ATAXIA-TELANGIECTASIA, FRESNO VARIANT; ATAXIA-TELANGIECTASIA, COMPLEMENTATION GROUP A. Identifiers: Orphanet 100, MedGen C0004135, MONDO:0008840, OMIM 208900.

Allele frequency attached by ClinVar (database versions not stated): gnomAD exomes below 0.00001.
gnomAD v4.1: 2 of 1,613,830 alleles (0.00012%); highest among the groups gnomAD compares: Middle Eastern, 0.016%; no homozygotes.

Submissions (4):

Labcorp Genetics (formerly Invitae), Labcorp
Classification: Uncertain significance for Ataxia-telangiectasia syndrome. Last evaluated: 2025-09-24. Review status: criteria provided, single submitter. Criteria: Invitae Variant Classification Sherloc (09022015). Collection method: clinical testing. Allele origin: germline.
Comment: This sequence change replaces glutamine, which is neutral and polar, with lysine, which is basic and polar, at codon 446 of the ATM protein (p.Gln446Lys). This variant is present in population databases (rs587782121, gnomAD no frequency). This variant has not been reported in the literature in individuals affected with ATM-related conditions. ClinVar contains an entry for this variant (Variation ID: 141934). Invitae Evidence Modeling of protein sequence and biophysical properties (such as structural, functional, and spatial information, amino acid conservation, physicochemical variation, residue mobility, and thermodynamic stability) indicates that this missense variant is not expected to disrupt ATM protein function with a negative predictive value of 95%. In summary, the available evidence is currently insufficient to determine the role of this variant in disease. Therefore, it has been classified as a Variant of Uncertain Significance.

Ambry Genetics
Classification: Uncertain significance for Hereditary cancer-predisposing syndrome. Last evaluated: 2025-05-08. Review status: criteria provided, single submitter. Criteria: Ambry Variant Classification Scheme 2023. Collection method: clinical testing. Allele origin: germline.
Comment: The p.Q446K variant (also known as c.1336C>A), located in coding exon 9 of the ATM gene, results from a C to A substitution at nucleotide position 1336. The glutamine at codon 446 is replaced by lysine, an amino acid with similar properties. This amino acid position is well conserved in available vertebrate species. In addition, this alteration is predicted to be tolerated by in silico analysis. Since supporting evidence is limited at this time, the clinical significance of this alteration remains unclear.

Color Diagnostics, LLC DBA Color Health
Classification: Uncertain significance for Hereditary cancer-predisposing syndrome. Last evaluated: 2023-12-05. Review status: criteria provided, single submitter. Criteria: ACMG Guidelines, 2015. Collection method: clinical testing. Allele origin: germline.
Comment: This missense variant replaces glutamine with lysine at codon 446 of the ATM protein. Computational prediction suggests that this variant may not impact protein structure and function (internally defined REVEL score threshold <= 0.5, PMID: 27666373). To our knowledge, functional studies have not been reported for this variant. This variant has not been reported in individuals affected with ATM-related disorders in the literature. This variant has been identified in 1/251308 chromosomes in the general population by the Genome Aggregation Database (gnomAD). The available evidence is insufficient to determine the role of this variant in disease conclusively. Therefore, this variant is classified as a Variant of Uncertain Significance.

GeneDx
Classification: Uncertain significance. Last evaluated: 2015-09-15. Review status: criteria provided, single submitter. Criteria: GeneDx Variant Classification (06012015). Collection method: clinical testing. Allele origin: germline. Affected: yes.
Comment: This variant is denoted ATM c.1336C>A at the cDNA level, p.Gln446Lys (Q446K) at the protein level, and results in the change of a Glutamine to a Lysine (CAG>AAG). This variant has not, to our knowledge, been published in the literature as pathogenic or benign. ATM Gln446Lys was not observed in approximately 6,500 individuals of European and African American ancestry in the NHLBI Exome Sequencing Project, indicating it is not a common benign variant in these populations. Since Glutamine and Lysine differ in some properties, this is considered a semi-conservative amino acid substitution. ATM Gln446Lys occurs at a position that is not conserved and is not located in a known functional domain (Stracker 2013, Tavtigian 2009). In silico analyses are inconsistent regarding the effect this variant may have on protein structure and function. Based on currently available information, it is unclear whether ATM Gln446Lys is pathogenic or benign. We consider it to be a variant of uncertain significance.

NM_000051.4(ATM):c.1336C>A (p.Gln446Lys)

Gene: ATM (ATM serine/threonine kinase; plus strand). Cytogenetic location: 11q22.3.
Variant type: single nucleotide variant.
Coding change: c.1336C>A on transcript NM_000051.4 (MANE Select); coding-DNA position 1336, C replaced by A.
Protein change: p.Gln446Lys; replaces glutamine 446 with lysine.
Molecular consequence: missense variant.
Genome position (GRCh38, 1-based): chr11:108,250,801, C>A. VCF-style: chr11-108250801-C-A. GRCh37 (hg19) VCF-style: chr11-108121528-C-A.
Other names: c.1336C>A, p.Gln446Lys (NM_001351834.2); short protein forms Q446K.
Identifiers: ClinVar variation 141934 (VCV000141934.18), dbSNP rs587782121, ClinGen allele CA166834.